The following is an entry in ClinVar:

NM_000179.3(MSH6):c.135C>A (p.Gly45=)

Gene: MSH6 (mutS homolog 6; plus strand). Cytogenetic location: 2p16.3.
Variant type: single nucleotide variant.
Coding change: c.135C>A on transcript NM_000179.3 (MANE Select); coding-DNA position 135, C replaced by A.
Protein change: p.Gly45=; no amino-acid change (glycine 45 retained).
Molecular consequence: synonymous variant. On other transcripts: 5 prime UTR variant (1).
Genome position (GRCh38, 1-based): chr2:47,783,368, C>A. VCF-style: chr2-47783368-C-A. GRCh37 (hg19) VCF-style: chr2-48010507-C-A.
Other names: c.135C>A, p.Gly45= (NM_001281492.2); c.-602C>A (NM_001281493.2).
Identifiers: ClinVar variation 231201 (VCV000231201.24), dbSNP rs876659020, ClinGen allele CA10578023.

ClinVar aggregate classification (germline): Conflicting classifications of pathogenicity. Review status: criteria provided, conflicting classifications (1 of 4 stars). 8 submissions from 8 submitters: Uncertain significance (1); Benign (1); Likely benign (6). Last evaluated 2026-01-05.

Conditions:
Hereditary nonpolyposis colorectal neoplasms. Identifiers: MedGen C0009405, MeSH D003123.
Hereditary cancer-predisposing syndrome. Also called: Neoplastic Syndromes, Hereditary; Hereditary Cancer Syndrome; Tumor predisposition; Hereditary neoplastic syndrome. Identifiers: Orphanet 140162, MedGen C0027672, MeSH D009386, MONDO:0015356.
Lynch syndrome. Identifiers: Orphanet 144, MedGen C4552100, MONDO:0005835. Disease mechanism: loss of function.
Lynch syndrome 5 (LYNCH5). Also called: Colorectal cancer, hereditary nonpolyposis, type 5; Hereditary non-polyposis colorectal cancer, type 5. Identifiers: Orphanet 144, MedGen C1833477, MONDO:0013710, OMIM 614350. Disease mechanism: loss of function.

gnomAD v4.1: 3 of 1,602,032 alleles (0.00019%); highest among the groups gnomAD compares: South Asian, 0.0022%; no homozygotes.

Submissions (8):

Labcorp Genetics (formerly Invitae), Labcorp
Classification: Likely benign for Hereditary nonpolyposis colorectal neoplasms. Last evaluated: 2026-01-05. Review status: criteria provided, single submitter. Criteria: Invitae Variant Classification Sherloc (09022015). Collection method: clinical testing. Allele origin: germline.

Myriad Genetics, Inc.
Classification: Benign for Lynch syndrome 5. Last evaluated: 2024-12-17. Review status: criteria provided, single submitter. Criteria: Myriad Autosomal Dominant, Autosomal Recessive and X-Linked Classification Criteria (2023). Collection method: clinical testing. Allele origin: unknown.
Comment: This variant is considered benign. This variant is a silent/synonymous amino acid change and it is not expected to impact splicing.

Quest Diagnostics Nichols Institute San Juan Capistrano
Classification: Uncertain significance. Last evaluated: 2024-11-15. Review status: criteria provided, single submitter. Criteria: Quest Diagnostics criteria. Collection method: clinical testing. Allele origin: unknown.
Comment: The MSH6 c.135C>A (p.Gly45=) synonymous variant has not been reported in individuals with MSH6-related conditions in the published literature. It also has not been reported in large, multi-ethnic general populations (Genome Aggregation Database). Analysis of this variant using software algorithms for the prediction of the effect of nucleotide changes on splicing yielded predictions that this variant does not affect MSH6 mRNA splicing. Based on the available information, we are unable to determine the clinical significance of this variant.

All of Us Research Program, National Institutes of Health
Classification: Likely benign for Lynch syndrome. Last evaluated: 2024-03-24. Review status: criteria provided, single submitter. Criteria: ACMG Guidelines, 2015. Collection method: clinical testing. Allele origin: germline. Inheritance: Autosomal dominant inheritance. Observed: 2 variant alleles, 2 heterozygotes.
Comment: This study involves interpretation of variants in research participants for the purpose of population health screening. Participant phenotype was not available at the time of variant classification. Additional details can be found in publication PMID: 35346344, PMCID: PMC8962531

Blueprint Genetics
Classification: Likely benign. Last evaluated: 2022-04-01. Review status: criteria provided, single submitter. Criteria: ACMG Guidelines, 2015. Collection method: clinical testing. Allele origin: germline.

Sema4
Classification: Likely benign for Hereditary cancer-predisposing syndrome. Last evaluated: 2021-12-17. Review status: criteria provided, single submitter. Criteria: Sema4 Curation Guidelines. Collection method: curation. Allele origin: germline.

Color Diagnostics, LLC DBA Color Health
Classification: Likely benign for Hereditary cancer-predisposing syndrome. Last evaluated: 2018-08-14. Review status: criteria provided, single submitter. Criteria: ACMG Guidelines, 2015. Collection method: clinical testing. Allele origin: germline.

Ambry Genetics
Classification: Likely benign for Hereditary cancer-predisposing syndrome. Last evaluated: 2015-04-07. Review status: criteria provided, single submitter. Criteria: Ambry Variant Classification Scheme 2023. Collection method: clinical testing. Allele origin: germline.